The following is an entry in ClinVar:

ClinVar aggregate classification (germline): Conflicting classifications of pathogenicity. Review status: criteria provided, conflicting classifications (1 of 4 stars). 3 submissions from 3 submitters: Uncertain significance (1); Likely benign (2). Last evaluated 2026-02-12.

Conditions:
Inborn genetic diseases. Identifiers: MedGen C0950123, MeSH D030342.

gnomAD v4.1: 75 of 1,604,452 alleles (0.0047%); highest among the groups gnomAD compares: East Asian, 0.027%; no homozygotes.

Submissions (3):

GeneDx
Classification: Uncertain significance. Last evaluated: 2026-02-12. Review status: criteria provided, single submitter. Criteria: GeneDx Variant Classification Process June 2021. Collection method: clinical testing. Allele origin: germline.
Comment: Not observed at significant frequency in large population cohorts (gnomAD); In silico analysis suggests that this missense variant does not alter protein structure/function; Has not been previously published as pathogenic or benign to our knowledge

Ambry Genetics
Classification: Likely benign for Inborn genetic diseases. Last evaluated: 2025-02-26. Review status: criteria provided, single submitter. Criteria: Ambry Variant Classification Scheme 2023. Collection method: clinical testing. Allele origin: germline.

Blueprint Genetics
Classification: Likely benign. Last evaluated: 2024-06-07. Review status: criteria provided, single submitter. Criteria: ACMG Guidelines, 2015. Collection method: clinical testing. Allele origin: germline.

NM_033305.3(VPS13A):c.1495A>G (p.Ile499Val)

Gene: VPS13A (vacuolar protein sorting 13 homolog A; plus strand). Cytogenetic location: 9q21.2.
Variant type: single nucleotide variant.
Coding change: c.1495A>G on transcript NM_033305.3 (MANE Select); coding-DNA position 1495, A replaced by G.
Protein change: p.Ile499Val; replaces isoleucine 499 with valine.
Molecular consequence: missense variant.
Genome position (GRCh38, 1-based): chr9:77,228,164, A>G. VCF-style: chr9-77228164-A-G. GRCh37 (hg19) VCF-style: chr9-79843080-A-G.
Other names: c.1495A>G, p.Ile499Val (NM_001018037.2, NM_001018038.3, NM_015186.4); short protein forms I499V.
Identifiers: ClinVar variation 3815089 (VCV003815089.3).